The following is an entry in ClinVar:

NM_000037.4(ANK1):c.1435C>T (p.Arg479Cys)

Gene: ANK1 (ankyrin 1; minus strand). Cytogenetic location: 8p11.21.
Variant type: single nucleotide variant.
Coding change: c.1435C>T on transcript NM_000037.4 (MANE Select); coding-DNA position 1435, C replaced by T.
Protein change: p.Arg479Cys; replaces arginine 479 with cysteine.
Molecular consequence: missense variant.
Genome position (GRCh38, 1-based): chr8:41,715,819, G>A on the plus strand (C>T on the coding strand, the complement: ANK1 is on the minus strand). VCF-style: chr8-41715819-G-A. GRCh37 (hg19) VCF-style: chr8-41573337-G-A.
Other names: c.1534C>T, p.Arg512Cys (NM_001142446.2); c.1435C>T (NM_000037.3); c.1435C>T, p.Arg479Cys (NM_020475.3, NM_020476.3, NM_020477.3); short protein forms R479C, R512C.
Identifiers: ClinVar variation 2439054 (VCV002439054.7), dbSNP rs141945303, ClinGen allele CA4728619.

ClinVar aggregate classification (germline): Uncertain significance. Review status: criteria provided, multiple submitters, no conflicts (2 of 4 stars). 3 submissions from 3 submitters: Uncertain significance (3). Last evaluated 2026-02-18.

Conditions:
Hereditary spherocytosis type 1. Also called: Spherocytosis type 1; ANK1-Related Spherocytosis. Identifiers: Orphanet 822, MedGen C2674218, MONDO:0008447, OMIM 182900.
Inborn genetic diseases. Identifiers: MedGen C0950123, MeSH D030342.

Allele frequency attached by ClinVar (database versions not stated): gnomAD 0.00007; ESP Exome Variant Server 0.00008; TOPMed 0.00008.
gnomAD v4.1: 50 of 1,614,104 alleles (0.0031%); highest among the groups gnomAD compares: Middle Eastern, 0.033%; no homozygotes.

Submissions (3):

Ambry Genetics
Classification: Uncertain significance for Inborn genetic diseases. Last evaluated: 2026-02-18. Review status: criteria provided, single submitter. Criteria: Ambry Variant Classification Scheme 2023. Collection method: clinical testing. Allele origin: germline.

Labcorp Genetics (formerly Invitae), Labcorp
Classification: Uncertain significance. Last evaluated: 2025-06-24. Review status: criteria provided, single submitter. Criteria: Invitae Variant Classification Sherloc (09022015). Collection method: clinical testing. Allele origin: germline.
Comment: This sequence change replaces arginine, which is basic and polar, with cysteine, which is neutral and slightly polar, at codon 479 of the ANK1 protein (p.Arg479Cys). This variant is present in population databases (rs141945303, gnomAD 0.01%). This variant has not been reported in the literature in individuals affected with ANK1-related conditions. ClinVar contains an entry for this variant (Variation ID: 2439054). Invitae Evidence Modeling of protein sequence and biophysical properties (such as structural, functional, and spatial information, amino acid conservation, physicochemical variation, residue mobility, and thermodynamic stability) indicates that this missense variant is expected to disrupt ANK1 protein function with a positive predictive value of 80%. In summary, the available evidence is currently insufficient to determine the role of this variant in disease. Therefore, it has been classified as a Variant of Uncertain Significance.

Revvity Omics, Revvity
Classification: Uncertain significance for Hereditary spherocytosis type 1. Last evaluated: 2021-05-21. Review status: criteria provided, single submitter. Criteria: ACMG Guidelines, 2015. Collection method: clinical testing. Allele origin: germline.